The following is an entry in ClinVar:

NM_006659.4(TUBGCP2):c.1575C>T (p.Gly525=)

Gene: TUBGCP2 (tubulin gamma complex component 2; minus strand). Cytogenetic location: 10q26.3.
Variant type: single nucleotide variant.
Coding change: c.1575C>T on transcript NM_006659.4 (MANE Select); coding-DNA position 1575, C replaced by T.
Protein change: p.Gly525=; no amino-acid change (glycine 525 retained).
Molecular consequence: synonymous variant. On other transcripts: non-coding transcript variant (1).
Genome position (GRCh38, 1-based): chr10:133,288,276, G>A on the plus strand (C>T on the coding strand, the complement: TUBGCP2 is on the minus strand). VCF-style: chr10-133288276-G-A. GRCh37 (hg19) VCF-style: chr10-135101780-G-A.
Other names: c.1659C>T (NM_001256617.1); c.1659C>T, p.Gly553= (NM_001256617.2); c.1185C>T, p.Gly395= (NM_001256618.2).
Identifiers: ClinVar variation 3910844 (VCV003910844.2).

ClinVar aggregate classification (germline): Likely benign. Review status: criteria provided, multiple submitters, no conflicts (2 of 4 stars). 2 submissions from 2 submitters: Likely benign (2). Last evaluated 2026-08-31.

Conditions:
TUBGCP2-related disorder. Also called: TUBGCP2-related condition.

gnomAD v4.1: 123 of 1,613,602 alleles (0.0076%); highest among the groups gnomAD compares: African/African-American, 0.11%; no homozygotes.

Submissions (2):

PreventionGenetics, part of Exact Sciences
Classification: Likely benign for TUBGCP2-related condition. Last evaluated: 2026-08-31. Review status: criteria provided, single submitter. Criteria: ACMG Guidelines, 2015. Collection method: clinical testing. Allele origin: germline.
Comment: This variant is classified as likely benign based on ACMG/AMP sequence variant interpretation guidelines (Richards et al. 2015 PMID: 25741868, with internal and published modifications).

Laboratory of Genetics, Children's Clinical University Hospital Latvia
Classification: Likely benign. Last evaluated: 2025-02-16. Review status: criteria provided, single submitter. Criteria: ACMG Guidelines, 2015. Collection method: clinical testing. Allele origin: germline. Affected: yes.